The following is an entry in ClinVar:

ClinVar aggregate classification (germline): Conflicting classifications of pathogenicity. Review status: criteria provided, conflicting classifications (1 of 4 stars). 2 submissions from 2 submitters: Uncertain significance (1); Likely benign (1). Last evaluated 2026-02-17.

Allele frequency attached by ClinVar (database versions not stated): TOPMed below 0.00001; ExAC 0.00001; gnomAD 0.00001; gnomAD exomes 0.00001.
gnomAD v4.1: 13 of 1,613,776 alleles (0.00081%); highest among the groups gnomAD compares: African/African-American, 0.004%; no homozygotes.

Submissions (2):

GeneDx
Classification: Uncertain significance. Last evaluated: 2026-02-17. Review status: criteria provided, single submitter. Criteria: GeneDx Variant Classification Process June 2021. Collection method: clinical testing. Allele origin: germline.
Comment: Not observed at significant frequency in large population cohorts (gnomAD); In silico analysis suggests that this variant does not alter splicing; Has not been previously published as pathogenic or benign to our knowledge

Labcorp Genetics (formerly Invitae), Labcorp
Classification: Likely benign. Last evaluated: 2025-12-23. Review status: criteria provided, single submitter. Criteria: Invitae Variant Classification Sherloc (09022015). Collection method: clinical testing. Allele origin: germline.

NM_032119.4(ADGRV1):c.1293G>A (p.Ala431=)

Gene: ADGRV1 (adhesion G protein-coupled receptor V1; plus strand). Cytogenetic location: 5q14.3.
Variant type: single nucleotide variant.
Coding change: c.1293G>A on transcript NM_032119.4 (MANE Select); coding-DNA position 1293, G replaced by A.
Protein change: p.Ala431=; no amino-acid change (alanine 431 retained).
Molecular consequence: synonymous variant. On other transcripts: non-coding transcript variant (1).
Genome position (GRCh38, 1-based): chr5:90,628,616, G>A. VCF-style: chr5-90628616-G-A. GRCh37 (hg19) VCF-style: chr5-89924433-G-A.
Other names: c.1293G>A (NM_032119.3).
Identifiers: ClinVar variation 3008206 (VCV003008206.4), dbSNP rs773901506, ClinGen allele CA3338664.
Genomic context (GRCh38, chr5:90,628,616, plus strand): 5'-TTTAAGATATGAAGAAATCACAGTGGTTAGAAATGGAGGAACCCATGGGAATGTCTCTGC[G>A]AATTGGGTGTTGACACGGAACAGCACTGATCCCTCACCAGTAACAGCAGATATCAGACCG-3'
Protein context (NP_115495.3, residues 421-441): RNGGTHGNVS[Ala431=]NWVLTRNSTD